The following is an entry in ClinVar:

NM_001080432.3(FTO):c.604A>G (p.Thr202Ala)

Gene: FTO (FTO alpha-ketoglutarate dependent dioxygenase; plus strand). Cytogenetic location: 16q12.2.
Variant type: single nucleotide variant.
Coding change: c.604A>G on transcript NM_001080432.3 (MANE Select); coding-DNA position 604, A replaced by G.
Protein change: p.Thr202Ala; replaces threonine 202 with alanine.
Molecular consequence: missense variant.
Genome position (GRCh38, 1-based): chr16:53,826,344, A>G. VCF-style: chr16-53826344-A-G. GRCh37 (hg19) VCF-style: chr16-53860256-A-G.
Other names: c.604A>G, p.Thr202Ala (NM_001363891.2, NM_001363894.2, NM_001363896.2 and 9 more transcripts); c.526A>G, p.Thr176Ala (NM_001363897.2); c.91A>G, p.Thr31Ala (NM_001363905.2); short protein forms T176A, T202A, T31A.
Identifiers: ClinVar variation 4531612 (VCV004531612.1).
Genomic context (GRCh38, chr16:53,826,344, plus strand): 5'-GGTTCATCCTACAACGGACAAGATGAAGTGGACATTAAGAGCAGAGCAGCATACAACGTA[A>G]CTTTGCTGAATTTCATGGATCCTCAGAAAATGCCATACCTGAAAGAGGAACCTTATTTTG-3'
Protein context (NP_001073901.1, residues 192-212): DIKSRAAYNV[Thr202Ala]LLNFMDPQKM

ClinVar aggregate classification (germline): Uncertain significance (1 of 4 stars; one submission).

Conditions:
Lethal polymalformative syndrome, Boissel type. Also called: GROWTH RETARDATION, DEVELOPMENTAL DELAY, AND FACIAL DYSMORPHISM. Identifiers: Orphanet 210144, MedGen C2752001, MONDO:0013050, OMIM 612938.

Submission:

Victorian Clinical Genetics Services, Murdoch Childrens Research Institute
Classification: Uncertain significance for Lethal polymalformative syndrome, Boissel type. Last evaluated: 2025-10-20. Review status: criteria provided, single submitter. Criteria: ACMG Guidelines, 2015. Collection method: clinical testing. Allele origin: germline. Affected: yes.
Comment: This variant is classified as VUS-3A. Evidence in support of pathogenic classification: Variant is absent from gnomAD (v2, v3 and v4); Missense variant predicted to be damaging by in silico tool(s) or highly conserved with a major amino acid change. Additional information: Variant is predicted to result in a missense amino acid change from Thr to Ala; This variant is heterozygous; This gene is associated with autosomal recessive disease; Alternative amino acid change(s) at the same position are present in gnomAD (highest allele count: v4: 3 heterozygote(s), 0 homozygote(s)); This variant has no previous evidence of pathogenicity; No published evidence of segregation with disease has been identified for this variant; No published functional evidence has been identified for this variant; No comparable missense variants have previous evidence for pathogenicity; Variant is located in the annotated FTO catalytic domain (DECIPHER); Loss of function is a known mechanism of disease in this gene and is associated with growth retardation, developmental delay, facial dysmorphism (MIM#612938).